The following is an entry in ClinVar:

ClinVar aggregate classification (germline): Uncertain significance. Review status: criteria provided, multiple submitters, no conflicts (2 of 4 stars). 2 submissions from 2 submitters: Uncertain significance (2). Last evaluated 2025-09-11.

Conditions:
Inborn genetic diseases. Identifiers: MedGen C0950123, MeSH D030342.

Allele frequency attached by ClinVar (database versions not stated): gnomAD 0.00001.
gnomAD v4.1: 3 of 1,613,238 alleles (0.00019%); highest among the groups gnomAD compares: Admixed American, 0.0017%; no homozygotes.

Submissions (2):

Ambry Genetics
Classification: Uncertain significance for Inborn genetic diseases. Last evaluated: 2025-09-11. Review status: criteria provided, single submitter. Criteria: Ambry Variant Classification Scheme 2023. Collection method: clinical testing. Allele origin: germline.

Labcorp Genetics (formerly Invitae), Labcorp
Classification: Uncertain significance. Last evaluated: 2024-04-05. Review status: criteria provided, single submitter. Criteria: Invitae Variant Classification Sherloc (09022015). Collection method: clinical testing. Allele origin: germline.
Comment: This sequence change replaces alanine, which is neutral and non-polar, with glycine, which is neutral and non-polar, at codon 357 of the IFT81 protein (p.Ala357Gly). This variant is not present in population databases (gnomAD no frequency). This variant has not been reported in the literature in individuals affected with IFT81-related conditions. ClinVar contains an entry for this variant (Variation ID: 1963715). Advanced modeling of protein sequence and biophysical properties (such as structural, functional, and spatial information, amino acid conservation, physicochemical variation, residue mobility, and thermodynamic stability) performed at Invitae indicates that this missense variant is not expected to disrupt IFT81 protein function with a negative predictive value of 80%. In summary, the available evidence is currently insufficient to determine the role of this variant in disease. Therefore, it has been classified as a Variant of Uncertain Significance.

NM_014055.4(IFT81):c.1070C>G (p.Ala357Gly)

Gene: IFT81 (intraflagellar transport 81; plus strand). Cytogenetic location: 12q24.11.
Variant type: single nucleotide variant.
Coding change: c.1070C>G on transcript NM_014055.4 (MANE Select); coding-DNA position 1070, C replaced by G.
Protein change: p.Ala357Gly; replaces alanine 357 with glycine.
Molecular consequence: missense variant. On other transcripts: non-coding transcript variant (4).
Genome position (GRCh38, 1-based): chr12:110,162,947, C>G. VCF-style: chr12-110162947-C-G. GRCh37 (hg19) VCF-style: chr12-110600752-C-G.
Other names: c.1070C>G, p.Ala357Gly (NM_001143779.2, NM_001347946.2, NM_031473.4); c.140C>G, p.Ala47Gly (NM_001347947.2, NM_001347948.2); c.1070C>G (NM_014055.3); short protein forms A357G, A47G.
Identifiers: ClinVar variation 1963715 (VCV001963715.4), dbSNP rs1896217721, ClinGen allele CA386913871.
Genomic context (GRCh38, chr12:110,162,947, plus strand): 5'-TTATTATACCTTCATATTTAATGCTCAATCAGGCATCTATCATTTCCCGTAAAAAAGAAG[C>G]CAAAGCTGAGGAACTTCAGGAGGCCAAGGAGAAGTTAGCCAGCCTAGAGAGAGAAGCATC-3'
Protein context (NP_054774.2, residues 347-367): QASIISRKKE[Ala357Gly]KAEELQEAKE